The following is an entry in ClinVar:

NM_016341.4(PLCE1):c.1339C>T (p.Arg447Ter)

Gene: PLCE1 (phospholipase C epsilon 1; plus strand). Cytogenetic location: 10q23.33.
Variant type: single nucleotide variant.
Coding change: c.1339C>T on transcript NM_016341.4 (MANE Select); coding-DNA position 1339, C replaced by T.
Protein change: p.Arg447Ter; replaces arginine 447 with a stop codon.
Molecular consequence: nonsense.
Genome position (GRCh38, 1-based): chr10:94,132,306, C>T. VCF-style: chr10-94132306-C-T. GRCh37 (hg19) VCF-style: chr10-95892063-C-T.
Other names: c.415C>T, p.Arg139Ter (NM_001165979.2); c.1339C>T, p.Arg447Ter (NM_001288989.2); short protein forms R139*, R447*.
Identifiers: ClinVar variation 1392260 (VCV001392260.6), dbSNP rs781068774, ClinGen allele CA5612349.

ClinVar aggregate classification (germline): Pathogenic (1 of 4 stars; one submission).

Allele frequency attached by ClinVar (database versions not stated): ExAC 0.00001; gnomAD exomes 0.00001.
gnomAD v4.1: 16 of 1,613,884 alleles (0.00099%); highest among the groups gnomAD compares: Non-Finnish European, 0.0013%; no homozygotes.

Submission:

Labcorp Genetics (formerly Invitae), Labcorp
Classification: Pathogenic. Last evaluated: 2023-10-13. Review status: criteria provided, single submitter. Criteria: Invitae Variant Classification Sherloc (09022015). Collection method: clinical testing. Allele origin: germline.
Comment: This sequence change creates a premature translational stop signal (p.Arg447*) in the PLCE1 gene. It is expected to result in an absent or disrupted protein product. Loss-of-function variants in PLCE1 are known to be pathogenic (PMID: 17086182, 20591883). This variant is present in population databases (rs781068774, gnomAD 0.002%). This variant has not been reported in the literature in individuals affected with PLCE1-related conditions. ClinVar contains an entry for this variant (Variation ID: 1392260). For these reasons, this variant has been classified as Pathogenic.

Literature cited by the submitters: PubMed 17086182; PubMed 20591883.